The following is an entry in ClinVar:

NM_001102608.3(COL6A6):c.5865C>T (p.Ala1955=)

Gene: COL6A6 (collagen type VI alpha 6 chain; plus strand). Cytogenetic location: 3q22.1.
Variant type: single nucleotide variant.
Coding change: c.5865C>T on transcript NM_001102608.3 (MANE Select); coding-DNA position 5865, C replaced by T.
Protein change: p.Ala1955=; no amino-acid change (alanine 1955 retained).
Molecular consequence: synonymous variant.
Genome position (GRCh38, 1-based): chr3:130,661,671, C>T. VCF-style: chr3-130661671-C-T. GRCh37 (hg19) VCF-style: chr3-130380515-C-T.
Identifiers: ClinVar variation 3389434 (VCV003389434.14).

ClinVar aggregate classification (germline): Likely benign (1 of 4 stars; one submission).

Submission:

CeGaT Center for Human Genetics Tuebingen
Classification: Likely benign. Last evaluated: 2024-11-01. Review status: criteria provided, single submitter. Criteria: CeGaT Center For Human Genetics Tuebingen Variant Classification Criteria Version 2. Collection method: clinical testing. Allele origin: germline. Affected: yes. Observed: 2 variant alleles.
Comment: COL6A6: PM2:Supporting, BP4, BP7